The following is an entry in ClinVar:

NM_001012339.3(DNAJC21):c.905G>A (p.Ser302Asn)

Gene: DNAJC21 (DnaJ heat shock protein family (Hsp40) member C21; plus strand). Cytogenetic location: 5p13.2.
Variant type: single nucleotide variant.
Coding change: c.905G>A on transcript NM_001012339.3 (MANE Select); coding-DNA position 905, G replaced by A.
Protein change: p.Ser302Asn; replaces serine 302 with asparagine.
Molecular consequence: missense variant.
Genome position (GRCh38, 1-based): chr5:34,941,105, G>A. VCF-style: chr5-34941105-G-A. GRCh37 (hg19) VCF-style: chr5-34941210-G-A.
Other names: c.905G>A, p.Ser302Asn (NM_001348420.2, NM_194283.4); short protein forms S302N.
Identifiers: ClinVar variation 2814896 (VCV002814896.3), dbSNP rs2480615771, ClinGen allele CA359416558.

ClinVar aggregate classification (germline): Uncertain significance (1 of 4 stars; one submission).

Submission:

Labcorp Genetics (formerly Invitae), Labcorp
Classification: Uncertain significance. Last evaluated: 2022-11-17. Review status: criteria provided, single submitter. Criteria: Invitae Variant Classification Sherloc (09022015). Collection method: clinical testing. Allele origin: germline.
Comment: In summary, the available evidence is currently insufficient to determine the role of this variant in disease. Therefore, it has been classified as a Variant of Uncertain Significance. Algorithms developed to predict the effect of missense changes on protein structure and function (SIFT, PolyPhen-2, Align-GVGD) all suggest that this variant is likely to be tolerated. This variant has not been reported in the literature in individuals affected with DNAJC21-related conditions. This variant is not present in population databases (gnomAD no frequency). This sequence change replaces serine, which is neutral and polar, with asparagine, which is neutral and polar, at codon 302 of the DNAJC21 protein (p.Ser302Asn).